The following is an entry in ClinVar:

NM_001199397.3(NEK1):c.465T>C (p.Ser155=)

Gene: NEK1 (NIMA related kinase 1; minus strand). Cytogenetic location: 4q33.
Variant type: single nucleotide variant.
Coding change: c.465T>C on transcript NM_001199397.3 (MANE Select); coding-DNA position 465, T replaced by C.
Protein change: p.Ser155=; no amino-acid change (serine 155 retained).
Molecular consequence: synonymous variant. On other transcripts: non-coding transcript variant (2).
Genome position (GRCh38, 1-based): chr4:169,588,735, A>G on the plus strand (T>C on the coding strand, the complement: NEK1 is on the minus strand). VCF-style: chr4-169588735-A-G. GRCh37 (hg19) VCF-style: chr4-170509886-A-G.
Other names: c.465T>C, p.Ser155= (NM_001199398.3, NM_001199399.3, NM_001199400.3 and 7 more transcripts); c.465T>C (NM_012224.2).
Identifiers: ClinVar variation 1468174 (VCV001468174.7), dbSNP rs1234437874, ClinGen allele CA442297264.

ClinVar aggregate classification (germline): Conflicting classifications of pathogenicity. Review status: criteria provided, conflicting classifications (1 of 4 stars). 2 submissions from 2 submitters: Uncertain significance (1); Likely benign (1). Last evaluated 2024-10-24.

Conditions:
Inborn genetic diseases. Identifiers: MedGen C0950123, MeSH D030342.
Short-rib thoracic dysplasia 6 with or without polydactyly (SRTD6). Also called: Majewski Syndrome; SHORT-RIB THORACIC DYSPLASIA 6 WITH POLYDACTYLY; SHORT-RIB THORACIC DYSPLASIA 6 WITHOUT POLYDACTYLY; SHORT RIB-POLYDACTYLY SYNDROME, TYPE IIA; POLYDACTYLY WITH NEONATAL CHONDRODYSTROPHY, TYPE II. Identifiers: MedGen C0024507, MONDO:0009894, OMIM 263520.

Allele frequency attached by ClinVar (database versions not stated): TOPMed 0.00001; gnomAD exomes 0.00002.
gnomAD v4.1: 28 of 1,532,406 alleles (0.0018%); highest among the groups gnomAD compares: Non-Finnish European, 0.0024%; no homozygotes.

Submissions (2):

Labcorp Genetics (formerly Invitae), Labcorp
Classification: Uncertain significance for Short-rib thoracic dysplasia 6 with or without polydactyly. Last evaluated: 2024-10-24. Review status: criteria provided, single submitter. Criteria: Invitae Variant Classification Sherloc (09022015). Collection method: clinical testing. Allele origin: germline.
Comment: This sequence change affects codon 155 of the NEK1 mRNA. It is a 'silent' change, meaning that it does not change the encoded amino acid sequence of the NEK1 protein. It affects a nucleotide within the consensus splice site. This variant is not present in population databases (gnomAD no frequency). This variant has not been reported in the literature in individuals affected with NEK1-related conditions. ClinVar contains an entry for this variant (Variation ID: 1468174). Algorithms developed to predict the effect of sequence changes on RNA splicing suggest that this variant is not likely to affect RNA splicing. In summary, the available evidence is currently insufficient to determine the role of this variant in disease. Therefore, it has been classified as a Variant of Uncertain Significance.

Ambry Genetics
Classification: Likely benign for Inborn genetic diseases. Last evaluated: 2023-12-27. Review status: criteria provided, single submitter. Criteria: Ambry Variant Classification Scheme 2023. Collection method: clinical testing. Allele origin: germline.